The following is an entry in ClinVar:

ClinVar aggregate classification (germline): Uncertain significance. Review status: criteria provided, multiple submitters, no conflicts (2 of 4 stars). 2 submissions from 2 submitters: Uncertain significance (2). Last evaluated 2024-08-23.

Conditions:
Autoinflammatory syndrome. Identifiers: Orphanet 93665, MedGen C3890737, MONDO:0019751.
Pyogenic arthritis-pyoderma gangrenosum-acne syndrome (PAPA). Also called: PAPA SYNDROME; FAMILIAL RECURRENT ARTHRITIS. Identifiers: Orphanet 69126, MedGen C1858361, MONDO:0011462, OMIM 604416.

gnomAD v4.1: 1 of 1,610,726 alleles (0.000062%); no homozygotes.

Submissions (2):

Labcorp Genetics (formerly Invitae), Labcorp
Classification: Uncertain significance for Pyogenic arthritis-pyoderma gangrenosum-acne syndrome. Last evaluated: 2024-08-23. Review status: criteria provided, single submitter. Criteria: Invitae Variant Classification Sherloc (09022015). Collection method: clinical testing. Allele origin: germline.
Comment: This sequence change replaces alanine, which is neutral and non-polar, with aspartic acid, which is acidic and polar, at codon 347 of the PSTPIP1 protein (p.Ala347Asp). This variant is not present in population databases (gnomAD no frequency). This variant has not been reported in the literature in individuals affected with PSTPIP1-related conditions. ClinVar contains an entry for this variant (Variation ID: 1063577). Invitae Evidence Modeling of protein sequence and biophysical properties (such as structural, functional, and spatial information, amino acid conservation, physicochemical variation, residue mobility, and thermodynamic stability) indicates that this missense variant is not expected to disrupt PSTPIP1 protein function with a negative predictive value of 80%. In summary, the available evidence is currently insufficient to determine the role of this variant in disease. Therefore, it has been classified as a Variant of Uncertain Significance.

Genome Diagnostics Laboratory, The Hospital for Sick Children
Classification: Uncertain significance for Autoinflammatory syndrome. Last evaluated: 2019-05-01. Review status: criteria provided, single submitter. Criteria: ACMG Guidelines, 2015. Collection method: clinical testing. Allele origin: germline. Affected: yes.

NM_003978.5(PSTPIP1):c.1040C>A (p.Ala347Asp)

Gene: PSTPIP1 (proline-serine-threonine phosphatase interacting protein 1; plus strand). Cytogenetic location: 15q24.3.
Variant type: single nucleotide variant.
Coding change: c.1040C>A on transcript NM_003978.5 (MANE Select); coding-DNA position 1040, C replaced by A.
Protein change: p.Ala347Asp; replaces alanine 347 with aspartic acid.
Molecular consequence: missense variant. On other transcripts: non-coding transcript variant (1).
Genome position (GRCh38, 1-based): chr15:77,035,856, C>A. VCF-style: chr15-77035856-C-A. GRCh37 (hg19) VCF-style: chr15-77328197-C-A.
Other names: c.983C>A, p.Ala328Asp (NM_001321135.2); c.1013C>A, p.Ala338Asp (NM_001321136.2); c.1235C>A, p.Ala412Asp (NM_001321137.1); short protein forms A328D, A338D, A347D, A412D.
Identifiers: ClinVar variation 1063577 (VCV001063577.12), dbSNP rs374682350, ClinGen allele CA393521747.